The following is an entry in ClinVar:

ClinVar aggregate classification (germline): Uncertain significance. Review status: criteria provided, multiple submitters, no conflicts (2 of 4 stars). 2 submissions from 2 submitters: Uncertain significance (2). Last evaluated 2025-06-19.

Conditions:
Inborn genetic diseases. Identifiers: MedGen C0950123, MeSH D030342.

Allele frequency attached by ClinVar (database versions not stated): TOPMed below 0.00001; gnomAD exomes 0.00002 and 0.00007; gnomAD 0.00003; ExAC 0.00008; 1000 Genomes Project 30x 0.00031; 1000 Genomes Project 0.00040.
gnomAD v4.1: 43 of 1,614,174 alleles (0.0027%); highest among the groups gnomAD compares: South Asian, 0.038%; no homozygotes.

Submissions (2):

Labcorp Genetics (formerly Invitae), Labcorp
Classification: Uncertain significance. Last evaluated: 2025-06-19. Review status: criteria provided, single submitter. Criteria: Invitae Variant Classification Sherloc (09022015). Collection method: clinical testing. Allele origin: germline.
Comment: This sequence change replaces glutamic acid, which is acidic and polar, with glycine, which is neutral and non-polar, at codon 707 of the EIF2AK3 protein (p.Glu707Gly). This variant is present in population databases (rs570127757, gnomAD 0.06%). This variant has not been reported in the literature in individuals affected with EIF2AK3-related conditions. ClinVar contains an entry for this variant (Variation ID: 1477843). An algorithm developed to predict the effect of missense changes on protein structure and function (PolyPhen-2) suggests that this variant is likely to be tolerated. In summary, the available evidence is currently insufficient to determine the role of this variant in disease. Therefore, it has been classified as a Variant of Uncertain Significance.

Ambry Genetics
Classification: Uncertain significance for Inborn genetic diseases. Last evaluated: 2023-11-02. Review status: criteria provided, single submitter. Criteria: Ambry Variant Classification Scheme 2023. Collection method: clinical testing. Allele origin: germline.

NM_004836.7(EIF2AK3):c.2120A>G (p.Glu707Gly)

Genes: EIF2AK3 (eukaryotic translation initiation factor 2 alpha kinase 3; minus strand), EIF2AK3-AS1 (EIF2AK3 antisense RNA 1; plus strand). Cytogenetic location: 2p11.2.
Variant type: single nucleotide variant.
Coding change: c.2120A>G on transcript NM_004836.7 (MANE Select); coding-DNA position 2120, A replaced by G.
Protein change: p.Glu707Gly; replaces glutamic acid 707 with glycine.
Molecular consequence: missense variant. On other transcripts: non-coding transcript variant (1).
Genome position (GRCh38, 1-based): chr2:88,575,363, T>C on the plus strand (A>G on the coding strand, the complement: EIF2AK3 is on the minus strand). VCF-style: chr2-88575363-T-C. GRCh37 (hg19) VCF-style: chr2-88874881-T-C.
Other names: c.2120A>G (NM_004836.5); c.1667A>G, p.Glu556Gly (NM_001313915.2); short protein forms E707G, E556G.
Identifiers: ClinVar variation 1477843 (VCV001477843.7), dbSNP rs570127757, ClinGen allele CA1754502.
Genomic context (GRCh38, chr2:88,575,363, plus strand): 5'-GAAATCCCTACTGAAAAAGACCTGCTTCTTTGTGGTGAAGGAGCTATGATTTCAATATGT[T>C]CTTTTGTAGCGAAAGGATCCATTCTGCGTATTTTAACTGATGGTGCATCCATTGGGCTAG-3'
Protein context (NP_004827.4, residues 697-717): IRRMDPFATK[Glu707Gly]HIEIIAPSPQ